The following is an entry in ClinVar:

NM_003072.5(SMARCA4):c.2484C>T (p.Ser828=)

Gene: SMARCA4 (SWI/SNF related BAF chromatin remodeling complex subunit ATPase 4; plus strand). Cytogenetic location: 19p13.2.
Variant type: single nucleotide variant.
Coding change: c.2484C>T on transcript NM_003072.5 (MANE Select); coding-DNA position 2484, C replaced by T.
Protein change: p.Ser828=; no amino-acid change (serine 828 retained).
Molecular consequence: synonymous variant. On other transcripts: non-coding transcript variant (1).
Genome position (GRCh38, 1-based): chr19:11,019,002, C>T. VCF-style: chr19-11019002-C-T. GRCh37 (hg19) VCF-style: chr19-11129678-C-T.
Other names: c.2484C>T, p.Ser828= (NM_001128844.3, NM_001128845.2, NM_001128846.2 and 5 more transcripts).
Identifiers: ClinVar variation 484870 (VCV000484870.18), dbSNP rs757282448, ClinGen allele CA9204130.
Genomic context (GRCh38, chr19:11,019,002, plus strand): 5'-TCCTTGTTCCATCAGAACGCTGTCCAACTGGGCGTACGAGTTTGACAAGTGGGCCCCCTC[C>T]GTGGTGAAGGTGTCTTACAAGGTAGGTCACAGCCACTGAGGTTTCCTCTCTTGCTACGGA-3'
Protein context (NP_003063.2, residues 818-838): WAYEFDKWAP[Ser828=]VVKVSYKGSP

ClinVar aggregate classification (germline): Benign/Likely benign. Review status: criteria provided, multiple submitters, no conflicts (2 of 4 stars). 4 submissions from 4 submitters: Benign (1); Likely benign (3). Last evaluated 2026-07-13.

Conditions:
Hereditary cancer-predisposing syndrome. Also called: Tumor predisposition; Neoplastic Syndromes, Hereditary; Hereditary Cancer Syndrome; Hereditary neoplastic syndrome. Identifiers: Orphanet 140162, MedGen C0027672, MeSH D009386, MONDO:0015356.
Rhabdoid tumor predisposition syndrome 2 (RTPS2). Identifiers: Orphanet 231108, Orphanet 69077, MedGen C2750074, MONDO:0013224, OMIM 613325.
SMARCA4-related disorder. Also called: SMARCA4-related condition.

Allele frequency attached by ClinVar (database versions not stated): gnomAD exomes 0.00002 and 0.00001; TOPMed 0.00002; ExAC 0.00001; gnomAD 0.00001.
gnomAD v4.1: 29 of 1,613,938 alleles (0.0018%); highest among the groups gnomAD compares: African/African-American, 0.0027%; no homozygotes.

Submissions (4):

Myriad Genetics, Inc.
Classification: Benign for Rhabdoid tumor predisposition syndrome 2. Last evaluated: 2026-07-13. Review status: criteria provided, single submitter. Criteria: Myriad Autosomal Dominant, Autosomal Recessive and X-Linked Classification Criteria (2023). Collection method: clinical testing. Allele origin: unknown.
Comment: This variant is considered benign. This variant is a silent/synonymous amino acid change and it is not expected to impact splicing.

Labcorp Genetics (formerly Invitae), Labcorp
Classification: Likely benign for Rhabdoid tumor predisposition syndrome 2. Last evaluated: 2025-12-16. Review status: criteria provided, single submitter. Criteria: Invitae Variant Classification Sherloc (09022015). Collection method: clinical testing. Allele origin: germline.

PreventionGenetics, part of Exact Sciences
Classification: Likely benign for SMARCA4-related condition. Last evaluated: 2025-01-31. Review status: criteria provided, single submitter. Criteria: ACMG Guidelines, 2015. Collection method: clinical testing. Allele origin: germline.
Comment: This variant is classified as likely benign based on ACMG/AMP sequence variant interpretation guidelines (Richards et al. 2015 PMID: 25741868, with internal and published modifications).

Ambry Genetics
Classification: Likely benign for Hereditary cancer-predisposing syndrome. Last evaluated: 2015-12-23. Review status: criteria provided, single submitter. Criteria: Ambry Variant Classification Scheme 2023. Collection method: clinical testing. Allele origin: germline.